The following is an entry in ClinVar:

ClinVar aggregate classification (germline): Uncertain significance (1 of 4 stars; one submission).

Submission:

GeneDx
Classification: Uncertain significance. Last evaluated: 2025-01-22. Review status: criteria provided, single submitter. Criteria: GeneDx Variant Classification Process June 2021. Collection method: clinical testing. Allele origin: germline. Affected: yes.
Comment: Not observed at significant frequency in large population cohorts (gnomAD); In silico analysis indicates that this missense variant does not alter protein structure/function; Has not been previously published as pathogenic or benign to our knowledge

NM_001242896.3(DEPDC5):c.4709A>G (p.Asp1570Gly)

Gene: DEPDC5 (DEP domain containing 5, GATOR1 subcomplex subunit; plus strand). Cytogenetic location: 22q12.3.
Variant type: single nucleotide variant.
Coding change: c.4709A>G on transcript NM_001242896.3 (MANE Select); coding-DNA position 4709, A replaced by G.
Protein change: p.Asp1570Gly; replaces aspartic acid 1570 with glycine.
Molecular consequence: missense variant. On other transcripts: non-coding transcript variant (5).
Genome position (GRCh38, 1-based): chr22:31,906,394, A>G. VCF-style: chr22-31906394-A-G. GRCh37 (hg19) VCF-style: chr22-32302380-A-G.
Other names: c.4682A>G, p.Asp1561Gly (NM_001136029.4); c.4409A>G, p.Asp1470Gly (NM_001242897.2); c.4643A>G, p.Asp1548Gly (NM_001363852.2, NM_001364320.2); c.4475A>G, p.Asp1492Gly (NM_001363854.2, NM_001364319.2); c.4709A>G, p.Asp1570Gly (NM_001364318.2); c.4625A>G, p.Asp1542Gly (NM_001369901.1, NM_001369902.1); c.4616A>G, p.Asp1539Gly (NM_001369903.1, NM_014662.6); short protein forms D1470G, D1492G, D1539G, D1542G, D1548G, D1561G, D1570G.
Identifiers: ClinVar variation 3371381 (VCV003371381.2).
Genomic context (GRCh38, chr22:31,906,394, plus strand): 5'-ACAACACCATGCTCACCAAAACATGGCGCTCCAGCGCCACAGGGGATGAAAAGTTTGCTG[A>G]TCGGCTGCTGAAGGACTTCACGGACTTCTGCATCAACCGTGACAACCGGCTGGTCACGTT-3'
Protein context (NP_001229825.1, residues 1560-1580): SSATGDEKFA[Asp1570Gly]RLLKDFTDFC